The following is an entry in ClinVar:

NM_006218.4(PIK3CA):c.435C>A (p.Asn145Lys)

Gene: PIK3CA (phosphatidylinositol-4,5-bisphosphate 3-kinase catalytic subunit alpha; plus strand). Cytogenetic location: 3q26.32.
Variant type: single nucleotide variant.
Coding change: c.435C>A on transcript NM_006218.4 (MANE Select); coding-DNA position 435, C replaced by A.
Protein change: p.Asn145Lys; replaces asparagine 145 with lysine.
Molecular consequence: missense variant.
Genome position (GRCh38, 1-based): chr3:179,199,772, C>A. VCF-style: chr3-179199772-C-A. GRCh37 (hg19) VCF-style: chr3-178917560-C-A.
Other names: short protein forms N145K.
Identifiers: ClinVar variation 5026693 (VCV005026693.1).

ClinVar aggregate classification (germline): Uncertain significance (1 of 4 stars; one submission).

Conditions:
Inborn genetic diseases. Identifiers: MedGen C0950123, MeSH D030342.

Submission:

Ambry Genetics
Classification: Uncertain significance for Inborn genetic diseases. Last evaluated: 2026-07-23. Review status: criteria provided, single submitter. Criteria: Ambry Variant Classification Scheme 2023. Collection method: clinical testing. Allele origin: germline.
Comment: The p.N145K variant (also known as c.435C>A), located in coding exon 2 of the PIK3CA gene, results from a C to A substitution at nucleotide position 435. The asparagine at codon 145 is replaced by lysine, an amino acid with similar properties. This amino acid position is conserved. In addition, this alteration is predicted to be tolerated by in silico analysis. Based on the available evidence, the clinical significance of this variant remains unclear.